The following is an entry in ClinVar:

ClinVar aggregate classification (germline): Uncertain significance (1 of 4 stars; one submission).

Conditions:
Progressive sclerosing poliodystrophy (MTDPS4A). Also called: Mitochondrial DNA depletion syndrome 4A (Alpers type); ALPERS PROGRESSIVE INFANTILE POLIODYSTROPHY; NEURONAL DEGENERATION OF CHILDHOOD WITH LIVER DISEASE, PROGRESSIVE; Alpers Syndrome; ALPERS DIFFUSE DEGENERATION OF CEREBRAL GRAY MATTER WITH HEPATIC CIRRHOSIS; Alpers-Huttenlocher Syndrome. Identifiers: Orphanet 726, MedGen C0205710, MONDO:0008758, OMIM 203700.

Submission:

Labcorp Genetics (formerly Invitae), Labcorp
Classification: Uncertain significance for Progressive sclerosing poliodystrophy. Last evaluated: 2023-07-10. Review status: criteria provided, single submitter. Criteria: Invitae Variant Classification Sherloc (09022015). Collection method: clinical testing. Allele origin: germline.
Comment: In summary, the available evidence is currently insufficient to determine the role of this variant in disease. Therefore, it has been classified as a Variant of Uncertain Significance. Advanced modeling of protein sequence and biophysical properties (such as structural, functional, and spatial information, amino acid conservation, physicochemical variation, residue mobility, and thermodynamic stability) has been performed at Invitae for this missense variant, however the output from this modeling did not meet the statistical confidence thresholds required to predict the impact of this variant on POLG protein function. This variant has not been reported in the literature in individuals affected with POLG-related conditions. This variant is not present in population databases (gnomAD no frequency). This sequence change replaces leucine, which is neutral and non-polar, with valine, which is neutral and non-polar, at codon 594 of the POLG protein (p.Leu594Val).

NM_002693.3(POLG):c.1780C>G (p.Leu594Val)

Gene: POLG (DNA polymerase gamma, catalytic subunit; minus strand). Cytogenetic location: 15q26.1.
Variant type: single nucleotide variant.
Coding change: c.1780C>G on transcript NM_002693.3 (MANE Select); coding-DNA position 1780, C replaced by G.
Protein change: p.Leu594Val; replaces leucine 594 with valine.
Molecular consequence: missense variant.
Genome position (GRCh38, 1-based): chr15:89,325,619, G>C on the plus strand (C>G on the coding strand, the complement: POLG is on the minus strand). VCF-style: chr15-89325619-G-C. GRCh37 (hg19) VCF-style: chr15-89868850-G-C.
Other names: c.1780C>G, p.Leu594Val (NM_001126131.2); short protein forms L594V.
Identifiers: ClinVar variation 2871823 (VCV002871823.3), dbSNP rs778172428, ClinGen allele CA393759379.